The following is an entry in ClinVar:

NM_024408.4(NOTCH2):c.6780T>A (p.Asn2260Lys)

Gene: NOTCH2 (notch receptor 2; minus strand). Cytogenetic location: 1p12.
Variant type: single nucleotide variant.
Coding change: c.6780T>A on transcript NM_024408.4 (MANE Select); coding-DNA position 6780, T replaced by A.
Protein change: p.Asn2260Lys; replaces asparagine 2260 with lysine.
Molecular consequence: missense variant.
Genome position (GRCh38, 1-based): chr1:119,915,942, A>T on the plus strand (T>A on the coding strand, the complement: NOTCH2 is on the minus strand). VCF-style: chr1-119915942-A-T. GRCh37 (hg19) VCF-style: chr1-120458565-A-T.
Other names: short protein forms N2260K.
Identifiers: ClinVar variation 3679212 (VCV003679212.2).

ClinVar aggregate classification (germline): Uncertain significance (1 of 4 stars; one submission).

Conditions:
Hajdu-Cheney syndrome (HJCYS). Also called: Acroosteolysis dominant type; SERPENTINE FIBULA-POLYCYSTIC KIDNEY SYNDROME; ACROOSTEOLYSIS WITH OSTEOPOROSIS AND CHANGES IN SKULL AND MANDIBLE. Identifiers: Orphanet 955, MedGen C0917715, MONDO:0007057, OMIM 102500.

gnomAD v4.1: 1 of 1,614,098 alleles (0.000062%); highest among the groups gnomAD compares: Non-Finnish European, 0.000085%; no homozygotes.

Submission:

Labcorp Genetics (formerly Invitae), Labcorp
Classification: Uncertain significance for Hajdu-Cheney syndrome. Last evaluated: 2024-04-25. Review status: criteria provided, single submitter. Criteria: Invitae Variant Classification Sherloc (09022015). Collection method: clinical testing. Allele origin: germline.
Comment: This sequence change replaces asparagine, which is neutral and polar, with lysine, which is basic and polar, at codon 2260 of the NOTCH2 protein (p.Asn2260Lys). This variant is present in population databases (no rsID available, gnomAD 0.0009%). This variant has not been reported in the literature in individuals affected with NOTCH2-related conditions. Advanced modeling of protein sequence and biophysical properties (such as structural, functional, and spatial information, amino acid conservation, physicochemical variation, residue mobility, and thermodynamic stability) performed at Invitae indicates that this missense variant is not expected to disrupt NOTCH2 protein function with a negative predictive value of 80%. In summary, the available evidence is currently insufficient to determine the role of this variant in disease. Therefore, it has been classified as a Variant of Uncertain Significance.